The following is an entry in ClinVar:

ClinVar aggregate classification (germline): Uncertain significance (1 of 4 stars; one submission).

Conditions:
CHARGE syndrome (CHARGE). Also called: Hittner Hirsch Kreh syndrome; Coloboma, heart anomaly, choanal atresia, retardation, genital and ear anomalies; CHARGE association; Hall-Hittner syndrome; CHARGE ASSOCIATION--COLOBOMA, HEART ANOMALY, CHOANAL ATRESIA, RETARDATION, GENITAL AND EAR ANOMALIES. Identifiers: Orphanet 138, MedGen C0265354, MONDO:0008965.

Submission:

Labcorp Genetics (formerly Invitae), Labcorp
Classification: Uncertain significance for CHARGE syndrome. Last evaluated: 2020-08-20. Review status: criteria provided, single submitter. Criteria: Invitae Variant Classification Sherloc (09022015). Collection method: clinical testing. Allele origin: germline.
Comment: In summary, the available evidence is currently insufficient to determine the role of this variant in disease. Therefore, it has been classified as a Variant of Uncertain Significance. This variant has not been reported in the literature in individuals with CHD7-related conditions. This variant results in a copy number gain of the genomic region encompassing exon(s) 2 of the CHD7 gene, which includes the initiator codon. The 5' end of this event is unknown as it extends beyond the assayed region for this gene and therefore may encompass additional genes. The 3' boundary is likely confined to intron 2 of the CHD7 gene. As the precise location of this event is unknown, it may be in tandem or it may be located elsewhere in the genome.

NC_000008.10:g.(?_61653972)_(61655676_?)dup

Gene: CHD7 (chromodomain helicase DNA binding protein 7; plus strand). Cytogenetic location: 8q12.2.
Variant type: Duplication.
Identifiers: ClinVar variation 1011635 (VCV001011635.5).